The following is an entry in ClinVar:

ClinVar aggregate classification (germline): Uncertain significance (1 of 4 stars; one submission).

Conditions:
Atrioventricular septal defect 4 (AVSD4). Identifiers: MedGen C3280781, MONDO:0013747, OMIM 614430.

Allele frequency attached by ClinVar (database versions not stated): TOPMed 0.00001; ExAC 0.00005.

Submission:

Labcorp Genetics (formerly Invitae), Labcorp
Classification: Uncertain significance for Atrioventricular septal defect 4. Last evaluated: 2023-03-14. Review status: criteria provided, single submitter. Criteria: Invitae Variant Classification Sherloc (09022015). Collection method: clinical testing. Allele origin: germline.
Comment: In summary, the available evidence is currently insufficient to determine the role of this variant in disease. Therefore, it has been classified as a Variant of Uncertain Significance. An algorithm developed to predict the effect of missense changes on protein structure and function (PolyPhen-2) suggests that this variant is likely to be disruptive. This variant has not been reported in the literature in individuals affected with GATA4-related conditions. The frequency data for this variant in the population databases is considered unreliable, as metrics indicate poor data quality at this position in the gnomAD database. This sequence change replaces glycine, which is neutral and non-polar, with serine, which is neutral and polar, at codon 24 of the GATA4 protein (p.Gly24Ser).

NM_001308093.3(GATA4):c.70G>A (p.Gly24Ser)

Gene: GATA4 (GATA binding protein 4). Cytogenetic location: 8p23.1.
Variant type: single nucleotide variant.
Coding change: c.70G>A on transcript NM_001308093.3 (MANE Select); coding-DNA position 70, G replaced by A.
Protein change: p.Gly24Ser; replaces glycine 24 with serine.
Molecular consequence: missense variant. On other transcripts: intron variant (3).
Genome position (GRCh38, 1-based): chr8:11,708,382, G>A. VCF-style: chr8-11708382-G-A. GRCh37 (hg19) VCF-style: chr8-11565891-G-A.
Other names: c.70G>A, p.Gly24Ser (NM_002052.5); c.-6+7604G>A (NM_001308094.2); c.-3+368G>A (NM_001374274.1); c.-3+4078G>A (NM_001374273.1); short protein forms G24S.
Identifiers: ClinVar variation 2718117 (VCV002718117.3), dbSNP rs777394438, ClinGen allele CA4630599.
Genomic context (GRCh38, chr8:11,708,382, plus strand): 5'-AGCTTGGCCATGGCCGCCAACCACGGGCCGCCCCCCGGTGCCTACGAGGCGGGCGGCCCC[G>A]GCGCCTTCATGCACGGCGCGGGCGCCGCGTCCTCGCCAGTCTACGTGCCCACACCGCGGG-3'
Protein context (NP_001295022.1, residues 14-34): PPGAYEAGGP[Gly24Ser]AFMHGAGAAS